The following is an entry in ClinVar:

ClinVar aggregate classification (germline): Uncertain significance (1 of 4 stars; one submission).

Conditions:
Inborn genetic diseases. Identifiers: MedGen C0950123, MeSH D030342.

Submission:

Ambry Genetics
Classification: Uncertain significance for Inborn genetic diseases. Last evaluated: 2025-03-30. Review status: criteria provided, single submitter. Criteria: Ambry Variant Classification Scheme 2023. Collection method: clinical testing. Allele origin: germline.
Comment: The p.S120G variant (also known as c.358A>G), located in coding exon 1 of the SH2B3 gene, results from an A to G substitution at nucleotide position 358. The serine at codon 120 is replaced by glycine, an amino acid with similar properties. This amino acid position is conserved. In addition, this alteration is predicted to be tolerated by in silico analysis. Based on the available evidence, the clinical significance of this variant remains unclear.

NM_005475.3(SH2B3):c.358A>G (p.Ser120Gly)

Gene: SH2B3 (SH2B adaptor protein 3; plus strand). Cytogenetic location: 12q24.12.
Variant type: single nucleotide variant.
Coding change: c.358A>G on transcript NM_005475.3 (MANE Select); coding-DNA position 358, A replaced by G.
Protein change: p.Ser120Gly; replaces serine 120 with glycine.
Molecular consequence: missense variant.
Genome position (GRCh38, 1-based): chr12:111,418,503, A>G. VCF-style: chr12-111418503-A-G. GRCh37 (hg19) VCF-style: chr12-111856307-A-G.
Other names: short protein forms S120G.
Identifiers: ClinVar variation 3953405 (VCV003953405.1).